The following is an entry in ClinVar:

NM_004415.4(DSP):c.5789C>G (p.Thr1930Arg)

Gene: DSP (desmoplakin; plus strand). Cytogenetic location: 6p24.3.
Variant type: single nucleotide variant.
Coding change: c.5789C>G on transcript NM_004415.4 (MANE Select); coding-DNA position 5789, C replaced by G.
Protein change: p.Thr1930Arg; replaces threonine 1930 with arginine.
Molecular consequence: missense variant.
Genome position (GRCh38, 1-based): chr6:7,583,051, C>G. VCF-style: chr6-7583051-C-G. GRCh37 (hg19) VCF-style: chr6-7583284-C-G.
Other names: p.T1930R:ACA>AGA; c.5789C>G (LRG_423t1); c.3992C>G, p.Thr1331Arg (NM_001008844.3); c.4460C>G, p.Thr1487Arg (NM_001319034.2); short protein forms T1930R, T1331R, T1487R.
Identifiers: ClinVar variation 199893 (VCV000199893.13), dbSNP rs794728126, ClinGen allele CA006614.

ClinVar aggregate classification (germline): Uncertain significance. Review status: criteria provided, multiple submitters, no conflicts (2 of 4 stars). 3 submissions from 3 submitters: Uncertain significance (3). Last evaluated 2023-10-06.

Conditions:
Arrhythmogenic cardiomyopathy with wooly hair and keratoderma. Also called: Carvajal syndrome; Dilated cardiomyopathy with woolly hair and keratoderma; Arrhythmogenic cardiomyopathy with woolly hair and keratoderma; PALMOPLANTAR KERATODERMA WITH LEFT VENTRICULAR CARDIOMYOPATHY AND WOOLLY HAIR. Identifiers: Orphanet 65282, MedGen C1854063, MONDO:0011581, OMIM 605676.
Arrhythmogenic right ventricular dysplasia 8 (ARVD8). Also called: Arrhythmogenic Right Ventricular Dysplasia/Cardiomyopathy 8; ARRHYTHMOGENIC RIGHT VENTRICULAR CARDIOMYOPATHY 8; ARRHYTHMOGENIC RIGHT VENTRICULAR DYSPLASIA, FAMILIAL, 8. Identifiers: MedGen C1843896, MONDO:0011831, OMIM 607450.

Allele frequency attached by ClinVar (database versions not stated): gnomAD exomes below 0.00001.
gnomAD v4.1: 1 of 1,614,048 alleles (0.000062%); highest among the groups gnomAD compares: Non-Finnish European, 0.000085%; no homozygotes.

Submissions (3):

All of Us Research Program, National Institutes of Health
Classification: Uncertain significance for Arrhythmogenic cardiomyopathy with wooly hair and keratoderma. Last evaluated: 2023-10-06. Review status: criteria provided, single submitter. Criteria: ACMG Guidelines, 2015. Collection method: clinical testing. Allele origin: germline. Inheritance: Autosomal dominant inheritance. Observed: 1 variant allele, 1 heterozygote.
Comment: This missense variant replaces threonine with arginine at codon 1930 of the DSP protein. Computational prediction suggests that this variant may not impact protein structure and function (internally defined REVEL score threshold <= 0.5, PMID: 27666373). To our knowledge, functional studies have not been reported for this variant. This variant has not been reported in individuals affected with DSP-related disorders in the literature. This variant has not been identified in the general population by the Genome Aggregation Database (gnomAD). The available evidence is insufficient to determine the role of this variant in disease conclusively. Therefore, this variant is classified as a Variant of Uncertain Significance.

This study involves interpretation of variants in research participants for the purpose of population health screening. Participant phenotype was not available at the time of variant classification. Additional details can be found in publication PMID: 35346344, PMCID: PMC8962531

Labcorp Genetics (formerly Invitae), Labcorp
Classification: Uncertain significance for Arrhythmogenic cardiomyopathy with wooly hair and keratoderma; Arrhythmogenic right ventricular dysplasia 8. Last evaluated: 2019-03-07. Review status: criteria provided, single submitter. Criteria: Invitae Variant Classification Sherloc (09022015). Collection method: clinical testing. Allele origin: germline.
Comment: In summary, the available evidence is currently insufficient to determine the role of this variant in disease. Therefore, it has been classified as a Variant of Uncertain Significance. Algorithms developed to predict the effect of missense changes on protein structure and function are either unavailable or do not agree on the potential impact of this missense change (SIFT: "Deleterious"; PolyPhen-2: "Benign"; Align-GVGD: "Class C0"). This variant has not been reported in the literature in individuals with DSP-related conditions. ClinVar contains an entry for this variant (Variation ID: 199893). This variant is not present in population databases (ExAC no frequency). This sequence change replaces threonine with arginine at codon 1930 of the DSP protein (p.Thr1930Arg). The threonine residue is moderately conserved and there is a moderate physicochemical difference between threonine and arginine.

GeneDx
Classification: Uncertain significance. Last evaluated: 2012-10-03. Review status: criteria provided, single submitter. Criteria: GeneDx Variant Classification (06012015). Collection method: clinical testing. Allele origin: germline. Affected: yes.
Comment: p.Thr1930Arg (ACA>AGA): c.5789 C>G in exon 24 of the DSP gene (NM_004415.2). The Thr1930Arg variant in the DSP gene has not been reported as a disease-causing mutation or as a benign polymorphism to our knowledge. Thr1930Arg results in a non-conservative amino acid substitution of a neutral Threonine with a positively charged Arginine at a position that is not well conserved across species. As a result, in silico analysis predicts Thr1930Arg has a benign effect on the protein structure/function. In addition, no missense mutations have been reported in this region of the DSP gene to date, indicating this region of the protein may tolerate change (Van der Zwaag P et al., 2009). However, the NHLBI ESP Exome Variant Server reports Thr1930Arg was not observed in approximately 6000 samples from individuals of European and African American backgrounds, indicating it is not a common benign variant in these populations. With the clinical and molecular information available at this time, we cannot definitively determine if Thr1930Arg is a disease-causing mutation or a rare benign variant. The variant is found in ARVC panel(s).